The following is an entry in ClinVar:

ClinVar aggregate classification (germline): Likely pathogenic (1 of 4 stars; one submission).

Conditions:
Fabry disease. Also called: ALPHA-GALACTOSIDASE A DEFICIENCY; ANDERSON-FABRY DISEASE; CERAMIDE TRIHEXOSIDASE DEFICIENCY; GLA DEFICIENCY; HEREDITARY DYSTOPIC LIPIDOSIS; Angiokeratoma corporis diffusum. Identifiers: Orphanet 324, MedGen C0002986, MONDO:0010526, OMIM 301500, HP:0001071. Disease mechanism: Fabry disease is due to inactivating mutations in the X-linked GLA gene resulting in deficiency of the enzyme Alpha Galactosidase-A., loss of function.

Submission:

Genomenon, Inc
Classification: Likely pathogenic for Fabry disease. Last evaluated: 2026-09-08. Review status: criteria provided, single submitter. Criteria: Genomenon Sequence Variant Interpretation Standards - Updated. Collection method: curation. Allele origin: germline. Affected: yes.
Comment: GLA p.Ser345_Met353del (c.1032_1058del) is an in-frame deletion that results in the loss of multiple amino acids, from Serine at codon 345 to Methionine at codon 353. This variant has been observed in at least one proband with clinical features consistent with Fabry disease (PMID:39348817). A de novo occurrence of this variant has been observed in at least one affected individual (PMID:39348817). It is absent or not present at a significant frequency in gnomAD. In conclusion, we classify GLA p.Ser345_Met353del (c.1032_1058del) as a likely pathogenic variant.

Literature cited by the submitters: PubMed 39348817.

NM_000169.3(GLA):c.1032_1058del (p.Ser345_Met353del)

Genes: GLA (galactosidase alpha; minus strand), RPL36A-HNRNPH2 (RPL36A-HNRNPH2 readthrough; plus strand). Cytogenetic location: Xq22.1.
Variant type: Deletion.
Coding change: c.1032_1058del on transcript NM_000169.3 (MANE Select); coding-DNA positions 1032 to 1058, 27 bases deleted (CTCAGGCTTAGCCTGGGCTGTAGCTAT).
Protein change: p.Ser345_Met353del.
Molecular consequence: inframe deletion. On other transcripts: non-coding transcript variant (3), intron variant (2).
Genome position (GRCh38, 1-based): chrX:101,398,041-101,398,067, ATAGCTACAGCCCAGGCTAAGCCTGAG deleted on the plus strand (CTCAGGCTTAGCCTGGGCTGTAGCTAT on the coding strand, the reverse complement: GLA is on the minus strand); deleting any 27 consecutive bases within chrX:101,398,041-101,398,068 gives the same sequence; the c. name uses the placement nearest the transcript's 3' end. VCF-style (leftmost placement, unchanged base first): chrX-101398040-CATAGCTACAGCCCAGGCTAAGCCTGAG-C. GRCh37 (hg19) VCF-style: chrX-100653028-CATAGCTACAGCCCAGGCTAAGCCTGAG-C.
Other names: c.1155_1181del, p.Ser386_Met394del (NM_001406747.1); c.300+2585_300+2611del (NM_001199973.2); c.177+6220_177+6246del (NM_001199974.2).
Identifiers: ClinVar variation 4087150 (VCV004087150.2).